The following is an entry in ClinVar:

ClinVar aggregate classification (germline): Uncertain significance. Review status: criteria provided, multiple submitters, no conflicts (2 of 4 stars). 5 submissions from 5 submitters: Uncertain significance (5). Last evaluated 2025-11-22.

Conditions:
Atrial septal defect 5 (ASD5). Identifiers: Orphanet 1478, MedGen C2748552, MONDO:0013011, OMIM 612794.
Dilated cardiomyopathy 1R (CMD1R). Identifiers: Orphanet 154, Orphanet 54260, MedGen C3150681, MONDO:0013261, OMIM 613424.
Hypertrophic cardiomyopathy 11. Also called: ACTC1-Related Familial Hypertrophic Cardiomyopathy. Identifiers: MedGen C2677506, MONDO:0012799, OMIM 612098.
Cardiovascular phenotype. Identifiers: MedGen CN230736.

Allele frequency attached by ClinVar (database versions not stated): gnomAD exomes below 0.00001.
gnomAD v4.1: 1 of 1,613,420 alleles (0.000062%); no homozygotes.

Submissions (5):

Labcorp Genetics (formerly Invitae), Labcorp
Classification: Uncertain significance for Dilated cardiomyopathy 1R; Hypertrophic cardiomyopathy 11; Atrial septal defect 5. Last evaluated: 2025-11-22. Review status: criteria provided, single submitter. Criteria: Invitae Variant Classification Sherloc (09022015). Collection method: clinical testing. Allele origin: germline.
Comment: This sequence change replaces aspartic acid, which is acidic and polar, with asparagine, which is neutral and polar, at codon 4 of the ACTC1 protein (p.Asp4Asn). This variant is present in population databases (no rsID available, gnomAD 0.004%). This variant has not been reported in the literature in individuals affected with ACTC1-related conditions. ClinVar contains an entry for this variant (Variation ID: 538810). An algorithm developed to predict the effect of missense changes on protein structure and function (PolyPhen-2) suggests that this variant is likely to be tolerated. In summary, the available evidence is currently insufficient to determine the role of this variant in disease. Therefore, it has been classified as a Variant of Uncertain Significance.

Revvity Omics, Revvity
Classification: Uncertain significance. Last evaluated: 2025-02-18. Review status: criteria provided, single submitter. Criteria: ACMG Guidelines, 2015. Collection method: clinical testing. Allele origin: germline.

GeneDx
Classification: Uncertain significance. Last evaluated: 2025-01-23. Review status: criteria provided, single submitter. Criteria: GeneDx Variant Classification Process June 2021. Collection method: clinical testing. Allele origin: germline. Affected: yes.
Comment: Not observed at significant frequency in large population cohorts (gnomAD); In silico analysis indicates that this missense variant does not alter protein structure/function; Has not been previously published as pathogenic or benign to our knowledge

Fulgent Genetics
Classification: Uncertain significance for Hypertrophic cardiomyopathy 11; Atrial septal defect 5; Dilated cardiomyopathy 1R. Last evaluated: 2021-07-27. Review status: criteria provided, single submitter. Criteria: ACMG Guidelines, 2015. Collection method: clinical testing. Allele origin: unknown.

Ambry Genetics
Classification: Uncertain significance for Cardiovascular phenotype. Last evaluated: 2019-11-01. Review status: criteria provided, single submitter. Criteria: Ambry Variant Classification Scheme 2023. Collection method: clinical testing. Allele origin: germline.
Comment: The p.D4N variant (also known as c.10G>A), located in coding exon 1 of the ACTC1 gene, results from a G to A substitution at nucleotide position 10. The aspartic acid at codon 4 is replaced by asparagine, an amino acid with highly similar properties. This amino acid position is highly conserved in available vertebrate species. In addition, the in silico prediction for this alteration is inconclusive. Since supporting evidence is limited at this time, the clinical significance of this alteration remains unclear.

NM_005159.5(ACTC1):c.10G>A (p.Asp4Asn)

Genes: GJD2-DT (GJD2 divergent transcript; plus strand), ACTC1 (actin alpha cardiac muscle 1; minus strand). Cytogenetic location: 15q14.
Variant type: single nucleotide variant.
Coding change: c.10G>A on transcript NM_005159.5 (MANE Select); coding-DNA position 10, G replaced by A.
Protein change: p.Asp4Asn; replaces aspartic acid 4 with asparagine.
Molecular consequence: missense variant.
Genome position (GRCh38, 1-based): chr15:34,794,799, C>T on the plus strand (G>A on the coding strand, the complement: ACTC1 is on the minus strand). VCF-style: chr15-34794799-C-T. GRCh37 (hg19) VCF-style: chr15-35087000-C-T.
Other names: c.10G>A (LRG_388t1); short protein forms D4N.
Identifiers: ClinVar variation 538810 (VCV000538810.17), dbSNP rs730880408, ClinGen allele CA391633500.